The following is an entry in ClinVar:

NM_000814.6(GABRB3):c.845C>G (p.Thr282Ser)

Gene: GABRB3 (gamma-aminobutyric acid type A receptor subunit beta3; minus strand). Cytogenetic location: 15q12.
Variant type: single nucleotide variant.
Coding change: c.845C>G on transcript NM_000814.6 (MANE Select); coding-DNA position 845, C replaced by G.
Protein change: p.Thr282Ser; replaces threonine 282 with serine.
Molecular consequence: missense variant.
Genome position (GRCh38, 1-based): chr15:26,561,167, G>C on the plus strand (C>G on the coding strand, the complement: GABRB3 is on the minus strand). VCF-style: chr15-26561167-G-C. GRCh37 (hg19) VCF-style: chr15-26806314-G-C.
Other names: c.590C>G, p.Thr197Ser (NM_001191320.2, NM_001278631.2); c.632C>G, p.Thr211Ser (NM_001191321.3); c.845C>G, p.Thr282Ser (NM_021912.5); short protein forms T197S, T211S, T282S.
Identifiers: ClinVar variation 3359062 (VCV003359062.2).
Genomic context (GRCh38, chr15:26,561,167, plus strand): 5'-TAGGGGATTTTGGGCAAGGTCTCCCGAAGGTGGGTGTTGATGGTTGTCATTGTCAGCACA[G>C]TTGTGATCCCTAGAAAAGAAACAAAGTGGTGAGAGGCTGAAACTTTGCCACATTGGTCTT-3'
Protein context (NP_000805.1, residues 272-292): SAARVALGIT[Thr282Ser]VLTMTTINTH

ClinVar aggregate classification (germline): Likely pathogenic (1 of 4 stars; one submission).

Conditions:
Developmental and epileptic encephalopathy, 43 (DEE43). Also called: Epileptic encephalopathy, early infantile, 43. Identifiers: MedGen C4310712, MONDO:0014921, OMIM 617113.

Submission:

Institute of Human Genetics, University of Leipzig Medical Center
Classification: Likely pathogenic for Developmental and epileptic encephalopathy, 43. Last evaluated: 2024-08-27. Review status: criteria provided, single submitter. Criteria: ACMG Guidelines, 2015. Collection method: clinical testing. Allele origin: maternal. Inheritance: Autosomal dominant inheritance. Affected: yes.
Comment: Criteria applied: PM2,PP2, PM2, PP3